The following is an entry in ClinVar:

ClinVar aggregate classification (germline): Pathogenic (1 of 4 stars; one submission).

Conditions:
Neuronal ceroid lipofuscinosis. Also called: Neuronal Ceroid Lipofuscinoses. Identifiers: Orphanet 216, Orphanet 79263, MedGen C0027877, MONDO:0016295. Disease mechanism: loss of function.

Submission:

Labcorp Genetics (formerly Invitae), Labcorp
Classification: Pathogenic for Neuronal ceroid lipofuscinosis. Last evaluated: 2024-11-18. Review status: criteria provided, single submitter. Criteria: Invitae Variant Classification Sherloc (09022015). Collection method: clinical testing. Allele origin: germline.
Comment: This sequence change creates a premature translational stop signal (p.Trp184*) in the CLN8 gene. While this is not anticipated to result in nonsense mediated decay, it is expected to disrupt the last 103 amino acid(s) of the CLN8 protein. This variant is not present in population databases (gnomAD no frequency). This premature translational stop signal has been observed in individual(s) with neuronal ceroid lipofuscinosis (PMID: 9422019). This variant disrupts a region of the CLN8 protein in which other variant(s) (p.Trp263Cys) have been determined to be pathogenic (PMID: 15024724). This suggests that this is a clinically significant region of the protein, and that variants that disrupt it are likely to be disease-causing. For these reasons, this variant has been classified as Pathogenic.

Literature cited by the submitters: PubMed 9422019; PubMed 15024724.

NM_018941.4(CLN8):c.551G>A (p.Trp184Ter)

Gene: CLN8 (CLN8 transmembrane ER and ERGIC protein; plus strand). Cytogenetic location: 8p23.3.
Variant type: single nucleotide variant.
Coding change: c.551G>A on transcript NM_018941.4 (MANE Select); coding-DNA position 551, G replaced by A.
Protein change: p.Trp184Ter; replaces tryptophan 184 with a stop codon.
Molecular consequence: nonsense.
Genome position (GRCh38, 1-based): chr8:1,780,257, G>A. VCF-style: chr8-1780257-G-A. GRCh37 (hg19) VCF-style: chr8-1728423-G-A.
Other names: short protein forms W184*.
Identifiers: ClinVar variation 3704394 (VCV003704394.2).